The following is an entry in ClinVar:

ClinVar aggregate classification (germline): Likely benign. Review status: criteria provided, multiple submitters, no conflicts (2 of 4 stars). 6 submissions from 6 submitters: Likely benign (5). 1 of the submissions does not count toward it. Last evaluated 2026-01-09.

Conditions:
Cardiovascular phenotype. Identifiers: MedGen CN230736.
Long QT syndrome (LQTS). Identifiers: MedGen C0023976, MeSH D008133, MONDO:0002442. Disease mechanism: loss of function. Inheritance: Various modes of inheritance.
KCNH2-related disorder. Also called: KCNH2-related condition; KCNH2-related disorders.
Cardiac arrhythmia. Also called: Arrhythmia; Cardiac rhythm disease. Identifiers: MedGen C0003811, MONDO:0007263, HP:0011675.

Allele frequency attached by ClinVar (database versions not stated): ExAC 0.00001; gnomAD exomes 0.00001 and 0.00002; ESP Exome Variant Server 0.00008; gnomAD 0.00016 and 0.00019; TOPMed 0.00017.
gnomAD v4.1: 49 of 1,614,178 alleles (0.003%); highest among the groups gnomAD compares: African/African-American, 0.055%; no homozygotes.

Submissions (6):

Labcorp Genetics (formerly Invitae), Labcorp
Classification: Likely benign for Long QT syndrome. Last evaluated: 2026-01-09. Review status: criteria provided, single submitter. Criteria: Invitae Variant Classification Sherloc (09022015). Collection method: clinical testing. Allele origin: germline.

All of Us Research Program, National Institutes of Health
Classification: Likely benign for Long QT syndrome. Last evaluated: 2023-12-18. Review status: criteria provided, single submitter. Criteria: ACMG Guidelines, 2015. Collection method: clinical testing. Allele origin: germline. Inheritance: Autosomal dominant inheritance. Observed: 12 variant alleles, 12 heterozygotes.
Comment: This study involves interpretation of variants in research participants for the purpose of population health screening. Participant phenotype was not available at the time of variant classification. Additional details can be found in publication PMID: 35346344, PMCID: PMC8962531

Ambry Genetics
Classification: Likely benign for Cardiovascular phenotype. Last evaluated: 2019-01-14. Review status: criteria provided, single submitter. Criteria: Ambry Variant Classification Scheme 2023. Collection method: clinical testing. Allele origin: germline.

Color Diagnostics, LLC DBA Color Health
Classification: Likely benign for Arrhythmia. Last evaluated: 2019-01-11. Review status: criteria provided, single submitter. Criteria: ACMG Guidelines, 2015. Collection method: clinical testing. Allele origin: germline.

GeneDx
Classification: Likely benign. Last evaluated: 2017-05-18. Review status: criteria provided, single submitter. Criteria: GeneDx Variant Classification (06012015). Collection method: clinical testing. Allele origin: germline. Affected: yes.
Comment: This variant is considered likely benign or benign based on one or more of the following criteria: it is a conservative change, it occurs at a poorly conserved position in the protein, it is predicted to be benign by multiple in silico algorithms, and/or has population frequency not consistent with disease.

PreventionGenetics, part of Exact Sciences
Classification: Likely benign for KCNH2-related condition. Last evaluated: 2021-11-10. Review status: no assertion criteria provided. Collection method: clinical testing. Allele origin: germline. Not counted in ClinVar's aggregate classification.
Comment: This variant is classified as likely benign based on ACMG/AMP sequence variant interpretation guidelines (Richards et al. 2015 PMID: 25741868, with internal and published modifications).

NM_000238.4(KCNH2):c.432C>T (p.Asp144=)

Gene: KCNH2 (potassium voltage-gated channel subfamily H member 2; minus strand). Cytogenetic location: 7q36.1.
Variant type: single nucleotide variant.
Coding change: c.432C>T on transcript NM_000238.4 (MANE Select); coding-DNA position 432, C replaced by T.
Protein change: p.Asp144=; no amino-acid change (aspartic acid 144 retained).
Molecular consequence: synonymous variant. On other transcripts: non-coding transcript variant (1).
Genome position (GRCh38, 1-based): chr7:150,959,612, G>A on the plus strand (C>T on the coding strand, the complement: KCNH2 is on the minus strand). VCF-style: chr7-150959612-G-A. GRCh37 (hg19) VCF-style: chr7-150656700-G-A.
Other names: c.144C>T, p.Asp48= (NM_001406753.1, NM_001406756.1); c.255C>T, p.Asp85= (NM_001406755.1); c.132C>T, p.Asp44= (NM_001406757.1); c.432C>T, p.Asp144= (NM_172056.3).
Identifiers: ClinVar variation 413339 (VCV000413339.21), dbSNP rs369314508, ClinGen allele CA039409.
Genomic context (GRCh38, chr7:150,959,612, plus strand): 5'-CCTAAAGCAAGTACACTTACCTGGGGCCAGCCAGCTGGTGGGGGGGCCCCGGTGGTTGGT[G>A]TCATGAGCCGGGGACCCCACCATGTCCTTCTCCATCACCACCTCGAAATTGAGGATGAAC-3'
Protein context (NP_000229.1, residues 134-154): EKDMVGSPAH[Asp144=]TNHRGPPTSW